The following is an entry in ClinVar:

NM_000340.2(SLC2A2):c.971A>G (p.Tyr324Cys)

Gene: SLC2A2 (solute carrier family 2 member 2; minus strand). Cytogenetic location: 3q26.2.
Variant type: single nucleotide variant.
Coding change: c.971A>G on transcript NM_000340.2 (MANE Select); coding-DNA position 971, A replaced by G.
Protein change: p.Tyr324Cys; replaces tyrosine 324 with cysteine.
Molecular consequence: missense variant.
Genome position (GRCh38, 1-based): chr3:171,002,673, T>C on the plus strand (A>G on the coding strand, the complement: SLC2A2 is on the minus strand). VCF-style: chr3-171002673-T-C. GRCh37 (hg19) VCF-style: chr3-170720462-T-C.
Other names: c.614A>G, p.Tyr205Cys (NM_001278658.2); c.452A>G, p.Tyr151Cys (NM_001278659.2); short protein forms Y151C, Y205C, Y324C.
Identifiers: ClinVar variation 917419 (VCV000917419.1), dbSNP rs1715394753, ClinGen allele CA355487915.
Genomic context (GRCh38, chr3:171,002,673, plus strand): 5'-CCAATGGTTGCATAAACAGGTTTGCTGATACCAGCCGTCTGAAAAATGCTGGTTGAGTAG[T>C]AAAAAATCTGCAAAGTAAAAACAGGTTAGCCTTAATCTTAAGAAGTCTGGCACTGATATC-3'
Protein context (NP_000331.1, residues 314-334): QQFSGINGIF[Tyr324Cys]YSTSIFQTAG

ClinVar aggregate classification (germline): Uncertain significance (1 of 4 stars; one submission).

Conditions:
Monogenic diabetes. Identifiers: Orphanet 183625, MedGen C3888631, MONDO:0015967.

Submission:

Personalized Diabetes Medicine Program, University of Maryland School of Medicine
Classification: Uncertain significance for Monogenic diabetes. Last evaluated: 2019-01-25. Review status: criteria provided, single submitter. Criteria: ACMG Guidelines, 2015. Collection method: research. Allele origin: unknown. Observed: 1 variant allele, 1 heterozygote.
Comment: ACMG criteria: PP3 (REVEL 0.921 + 9 predictors), PM2 = VUS